The following is an entry in ClinVar:

NM_004473.4(FOXE1):c.505GCC[8] (p.Ala177_Ala179del)

Gene: FOXE1 (forkhead box E1; plus strand). Cytogenetic location: 9q22.33.
Variant type: Microsatellite.
Coding change: c.505GCC[8] on transcript NM_004473.4 (MANE Select); eight copies in a row of the 3-base unit GCC starting at c.505; the reference has 11 copies in a row; three copies, 9 bases deleted.
Protein change: p.Ala177_Ala179del.
Molecular consequence: inframe deletion.
Genome position (GRCh38, 1-based): chr9:97,854,443-97,854,451, GCCGCCGCC deleted; deleting any 9 consecutive bases within chr9:97,854,419-97,854,451 gives the same sequence; the position shown is the placement nearest the transcript's 3' end. VCF-style (leftmost placement, unchanged base first): chr9-97854418-AGCCGCCGCC-A. GRCh37 (hg19) VCF-style: chr9-100616700-AGCCGCCGCC-A.
Identifiers: ClinVar variation 2662509 (VCV002662509.1), dbSNP rs71369530, ClinGen allele CA5149121.

ClinVar aggregate classification (germline): Uncertain significance (1 of 4 stars; one submission).

Submission:

GeneDx
Classification: Uncertain significance. Last evaluated: 2023-05-10. Review status: criteria provided, single submitter. Criteria: GeneDx Variant Classification Process June 2021. Collection method: clinical testing. Allele origin: germline. Affected: yes.
Comment: In-frame deletion of 3 amino acids in a repetitive region with no known function; Has not been previously published as pathogenic or benign to our knowledge